The following is an entry in ClinVar:

NM_020806.5(GPHN):c.1480G>A (p.Gly494Ser)

Gene: GPHN (gephyrin; plus strand). Cytogenetic location: 14q23.3.
Variant type: single nucleotide variant.
Coding change: c.1480G>A on transcript NM_020806.5 (MANE Select); coding-DNA position 1480, G replaced by A.
Protein change: p.Gly494Ser; replaces glycine 494 with serine.
Molecular consequence: missense variant.
Genome position (GRCh38, 1-based): chr14:67,113,025, G>A. VCF-style: chr14-67113025-G-A. GRCh37 (hg19) VCF-style: chr14-67579742-G-A.
Other names: c.1381G>A, p.Gly461Ser (NM_001024218.2); c.1540G>A, p.Gly514Ser (NM_001377514.1); c.1510G>A, p.Gly504Ser (NM_001377515.1); c.1501G>A, p.Gly501Ser (NM_001377516.1); c.1453G>A, p.Gly485Ser (NM_001377517.1); c.1438G>A, p.Gly480Ser (NM_001377518.1); c.1420G>A, p.Gly474Ser (NM_001377519.1); short protein forms G514S, G474S, G494S, G461S, G480S, G485S, G501S, G504S.
Identifiers: ClinVar variation 2107916 (VCV002107916.4), dbSNP rs776544093, ClinGen allele CA7234111.

ClinVar aggregate classification (germline): Uncertain significance (1 of 4 stars; one submission).

Conditions:
Sulfite oxidase deficiency due to molybdenum cofactor deficiency type C. Also called: Molybdenum cofactor deficiency, complementation group C; Molybdenum cofactor deficiency C. Identifiers: Orphanet 308400, Orphanet 833, MedGen C1854990, MONDO:0014212, OMIM 615501.

Allele frequency attached by ClinVar (database versions not stated): ExAC 0.00001.

Submission:

Labcorp Genetics (formerly Invitae), Labcorp
Classification: Uncertain significance for Sulfite oxidase deficiency due to molybdenum cofactor deficiency type C. Last evaluated: 2022-04-11. Review status: criteria provided, single submitter. Criteria: Invitae Variant Classification Sherloc (09022015). Collection method: clinical testing. Allele origin: germline.
Comment: Algorithms developed to predict the effect of missense changes on protein structure and function are either unavailable or do not agree on the potential impact of this missense change (SIFT: "Deleterious"; PolyPhen-2: "Probably Damaging"; Align-GVGD: "Class C0"). This sequence change replaces glycine, which is neutral and non-polar, with serine, which is neutral and polar, at codon 494 of the GPHN protein (p.Gly494Ser). This variant is present in population databases (rs776544093, gnomAD 0.004%). This variant has not been reported in the literature in individuals affected with GPHN-related conditions. In summary, the available evidence is currently insufficient to determine the role of this variant in disease. Therefore, it has been classified as a Variant of Uncertain Significance.